The following is an entry in ClinVar:

ClinVar aggregate classification (germline): Uncertain significance (1 of 4 stars; one submission).

Conditions:
Intellectual developmental disorder, autosomal dominant 64. Also called: MENTAL RETARDATION, AUTOSOMAL DOMINANT 64. Identifiers: MedGen C5543067, MONDO:0030934, OMIM 619188.

Allele frequency attached by ClinVar (database versions not stated): gnomAD exomes below 0.00001.
gnomAD v4.1: 1 of 1,613,636 alleles (0.000062%); highest among the groups gnomAD compares: South Asian, 0.0011%; no homozygotes.

Submission:

MGZ Medical Genetics Center
Classification: Uncertain significance for Intellectual developmental disorder, autosomal dominant 64. Last evaluated: 2022-04-28. Review status: criteria provided, single submitter. Criteria: ACMG Guidelines, 2015. Collection method: clinical testing. Allele origin: germline. Affected: yes. Observed: 2 variant alleles.
Comment: ACMG criteria applied: PM2_SUP, BP4

NM_015021.3(ZNF292):c.4451A>C (p.Gln1484Pro)

Gene: ZNF292 (zinc finger protein 292; plus strand). Cytogenetic location: 6q14.3.
Variant type: single nucleotide variant.
Coding change: c.4451A>C on transcript NM_015021.3 (MANE Select); coding-DNA position 4451, A replaced by C.
Protein change: p.Gln1484Pro; replaces glutamine 1484 with proline.
Molecular consequence: missense variant.
Genome position (GRCh38, 1-based): chr6:87,258,080, A>C. VCF-style: chr6-87258080-A-C. GRCh37 (hg19) VCF-style: chr6-87967798-A-C.
Other names: c.4031A>C, p.Gln1344Pro (NM_001351444.2); short protein forms Q1344P, Q1484P.
Identifiers: ClinVar variation 1709332 (VCV001709332.2), dbSNP rs1049965275, ClinGen allele CA142837342.
Genomic context (GRCh38, chr6:87,258,080, plus strand): 5'-CATTTTTACCAAATACATTTCCTCGATCTGGTGTGACTAACTTTAATACCAGTGTCAGTC[A>C]AGAAGGTAGTGAAATTATTAAACAGGCTTTGGAAACTGCTGGCATTCCCAGTACATTTGA-3'
Protein context (NP_055836.1, residues 1474-1494): GVTNFNTSVS[Gln1484Pro]EGSEIIKQAL